The following is an entry in ClinVar:

ClinVar aggregate classification (germline): Benign. Review status: criteria provided, single submitter (1 of 4 stars). 2 submissions from 2 submitters: Benign (1). 1 of the submissions does not count toward it. Last evaluated 2025-12-02.

Conditions:
PIK3AP1-related disorder. Also called: PIK3AP1-related condition.
Infantile spasms. Also called: Infantile spasm. Identifiers: MedGen C3887898, HP:0012469.

Allele frequency attached by ClinVar (database versions not stated): 1000 Genomes Project 0.00040; 1000 Genomes Project 30x 0.00047; TOPMed 0.00039; gnomAD exomes 0.00051 and 0.00077; ESP Exome Variant Server 0.00069; ExAC 0.00072; gnomAD 0.00048.
gnomAD v4.1: 1,188 of 1,614,208 alleles (0.074%); highest among the groups gnomAD compares: Non-Finnish European, 0.095%; no homozygotes.

Submissions (2):

Labcorp Genetics (formerly Invitae), Labcorp
Classification: Benign for Infantile spasms. Last evaluated: 2025-12-02. Review status: criteria provided, single submitter. Criteria: Invitae Variant Classification Sherloc (09022015). Collection method: clinical testing. Allele origin: germline.

PreventionGenetics, part of Exact Sciences
Classification: Likely benign for PIK3AP1-related condition. Last evaluated: 2019-04-15. Review status: no assertion criteria provided. Collection method: clinical testing. Allele origin: germline. Not counted in ClinVar's aggregate classification.
Comment: This variant is classified as likely benign based on ACMG/AMP sequence variant interpretation guidelines (Richards et al. 2015 PMID: 25741868, with internal and published modifications).

NM_152309.3(PIK3AP1):c.1551T>C (p.Asp517=)

Gene: PIK3AP1 (phosphoinositide-3-kinase adaptor protein 1; minus strand). Cytogenetic location: 10q24.1.
Variant type: single nucleotide variant.
Coding change: c.1551T>C on transcript NM_152309.3 (MANE Select); coding-DNA position 1551, T replaced by C.
Protein change: p.Asp517=; no amino-acid change (aspartic acid 517 retained).
Molecular consequence: synonymous variant.
Genome position (GRCh38, 1-based): chr10:96,626,826, A>G on the plus strand (T>C on the coding strand, the complement: PIK3AP1 is on the minus strand). VCF-style: chr10-96626826-A-G. GRCh37 (hg19) VCF-style: chr10-98386583-A-G.
Identifiers: ClinVar variation 541760 (VCV000541760.14), dbSNP rs142087930, ClinGen allele CA5626220.